The following is an entry in ClinVar:

ClinVar aggregate classification (germline): Likely benign (1 of 4 stars; one submission).

gnomAD v4.1: 135 of 1,613,856 alleles (0.0084%); highest among the groups gnomAD compares: Middle Eastern, 0.033%; no homozygotes.

Submission:

CeGaT Center for Human Genetics Tuebingen
Classification: Likely benign. Last evaluated: 2025-09-01. Review status: criteria provided, single submitter. Criteria: CeGaT Center For Human Genetics Tuebingen Variant Classification Criteria Version 2. Collection method: clinical testing. Allele origin: germline. Affected: yes. Observed: 1 variant allele.
Comment: NELFA: BP4, BP7

NM_005663.5(NELFA):c.303G>A (p.Pro101=)

Gene: NELFA (negative elongation factor complex member A; minus strand). Cytogenetic location: 4p16.3.
Variant type: single nucleotide variant.
Coding change: c.303G>A on transcript NM_005663.5 (MANE Select); coding-DNA position 303, G replaced by A.
Protein change: p.Pro101=; no amino-acid change (proline 101 retained).
Molecular consequence: synonymous variant.
Genome position (GRCh38, 1-based): chr4:1,991,623, C>T on the plus strand (G>A on the coding strand, the complement: NELFA is on the minus strand). VCF-style: chr4-1991623-C-T. GRCh37 (hg19) VCF-style: chr4-1993350-C-T.
Identifiers: ClinVar variation 4280862 (VCV004280862.7).
Genomic context (GRCh38, chr4:1,991,623, plus strand): 5'-CAAAATATCCTGAACGTTGGGATTCTGCTCCTCCAGCTCCAGGTTAAGCGAGCCTGTGTC[C>T]GGAAAGGACTTCAAGATGTCGGCGACCATGAGCACCCAGGGGTCCGAGTCGAGGCTGGCG-3'
Protein context (NP_005654.4, residues 91-111): LMVADILKSF[Pro101=]DTGSLNLELE